The following is an entry in ClinVar:

NC_000006.11:g.(?_88182722)_(88229994_?)dup

Genes: RARS2 (arginyl-tRNA synthetase 2, mitochondrial; minus strand), SLC35A1 (solute carrier family 35 member A1; plus strand). Cytogenetic location: 6q15.
Variant type: Duplication.
Identifiers: ClinVar variation 2426536 (VCV002426536.4).

ClinVar aggregate classification (germline): Uncertain significance (1 of 4 stars; one submission).

Submission:

Labcorp Genetics (formerly Invitae), Labcorp
Classification: Uncertain significance. Last evaluated: 2022-07-27. Review status: criteria provided, single submitter. Criteria: Invitae Variant Classification Sherloc (09022015). Collection method: clinical testing. Allele origin: germline.
Comment: In summary, the available evidence is currently insufficient to determine the role of this variant in disease. Therefore, it has been classified as a Variant of Uncertain Significance. This variant has not been reported in the literature in individuals affected with RARS2-related conditions. This variant results in a copy number gain of the genomic region encompassing exon(s) 13-20 of the RARS2 gene. This region includes the termination codon of the gene. This copy number gain extends beyond the assayed region for this gene and therefore may encompass additional genes. As the precise location of this event is unknown, it may be in tandem or it may be located elsewhere in the genome.